The following is an entry in ClinVar:

NM_000179.3(MSH6):c.1150A>C (p.Arg384=)

Gene: MSH6 (mutS homolog 6; plus strand). Cytogenetic location: 2p16.3.
Variant type: single nucleotide variant.
Coding change: c.1150A>C on transcript NM_000179.3 (MANE Select); coding-DNA position 1150, A replaced by C.
Protein change: p.Arg384=; no amino-acid change (arginine 384 retained).
Molecular consequence: synonymous variant. On other transcripts: non-coding transcript variant (4), intron variant (1).
Genome position (GRCh38, 1-based): chr2:47,799,133, A>C. VCF-style: chr2-47799133-A-C. GRCh37 (hg19) VCF-style: chr2-48026272-A-C.
Other names: c.1150A>C, p.Arg384= (NM_001406796.1, NM_001406798.1, NM_001406800.1 and 4 more transcripts); c.853A>C, p.Arg285= (NM_001406797.1, NM_001406801.1, NM_001406805.1 and 10 more transcripts); c.625A>C, p.Arg209= (NM_001406799.1, NM_001406806.1, NM_001406807.1); c.1246A>C, p.Arg416= (NM_001406802.1, NM_001406795.1); c.1072A>C, p.Arg358= (NM_001406804.1); c.244A>C, p.Arg82= (NM_001406811.1, NM_001406812.1, NM_001406814.1 and 6 more transcripts); c.1156A>C, p.Arg386= (NM_001406813.1); c.982A>C, p.Arg328= (NM_001406826.1); and 2 more.
Identifiers: ClinVar variation 3904094 (VCV003904094.1).

ClinVar aggregate classification (germline): Benign (1 of 4 stars; one submission).

Conditions:
Lynch syndrome 5 (LYNCH5). Also called: Colorectal cancer, hereditary nonpolyposis, type 5; Hereditary non-polyposis colorectal cancer, type 5. Identifiers: Orphanet 144, MedGen C1833477, MONDO:0013710, OMIM 614350. Disease mechanism: loss of function.

Submission:

Myriad Genetics, Inc.
Classification: Benign for Lynch syndrome 5. Last evaluated: 2024-12-23. Review status: criteria provided, single submitter. Criteria: Myriad Autosomal Dominant, Autosomal Recessive and X-Linked Classification Criteria (2023). Collection method: clinical testing. Allele origin: unknown.
Comment: This variant is considered benign. This variant is a silent/synonymous amino acid change and it is not expected to impact splicing.